The following is an entry in ClinVar:

NM_001267550.2(TTN):c.96937C>T (p.Gln32313Ter)

Genes: TTN-AS1 (TTN antisense RNA 1; plus strand), TTN (titin; minus strand), LOC126806421 (CDK7 strongly-dependent group 2 enhancer GRCh37_chr2:179407630-179408829; plus strand). Cytogenetic location: 2q31.2.
Variant type: single nucleotide variant.
Coding change: c.96937C>T on transcript NM_001267550.2 (MANE Select); coding-DNA position 96937, C replaced by T.
Protein change: p.Gln32313Ter; replaces glutamine 32313 with a stop codon.
Molecular consequence: nonsense.
Genome position (GRCh38, 1-based): chr2:178,542,917, G>A on the plus strand (C>T on the coding strand, the complement: TTN is on the minus strand). VCF-style: chr2-178542917-G-A. GRCh37 (hg19) VCF-style: chr2-179407644-G-A.
Other names: c.92014C>T, p.Gln30672Ter (NM_001256850.1); c.69742C>T, p.Gln23248Ter (NM_003319.4); c.89233C>T, p.Gln29745Ter (NM_133378.4); c.70117C>T, p.Gln23373Ter (NM_133432.3); c.70318C>T, p.Gln23440Ter (NM_133437.4); short protein forms Q23248*, Q23373*, Q23440*, Q29745*, Q30672*, Q32313*.
Identifiers: ClinVar variation 1066881 (VCV001066881.9), dbSNP rs1695289576, ClinGen allele CA349444239.

ClinVar aggregate classification (germline): Likely pathogenic (1 of 4 stars; one submission).

Conditions:
Dilated cardiomyopathy 1G (CMD1G). Identifiers: Orphanet 154, MedGen C1858763, MONDO:0011400, OMIM 604145.
Autosomal recessive limb-girdle muscular dystrophy type 2J (LGMDR10). Also called: Limb-girdle muscular dystrophy, type 2J; MUSCULAR DYSTROPHY, LIMB-GIRDLE, AUTOSOMAL RECESSIVE 10. Identifiers: Orphanet 140922, MedGen C1837342, MONDO:0012127, OMIM 608807.

Submission:

Labcorp Genetics (formerly Invitae), Labcorp
Classification: Likely pathogenic for Dilated cardiomyopathy 1G; Autosomal recessive limb-girdle muscular dystrophy type 2J. Last evaluated: 2020-05-27. Review status: criteria provided, single submitter. Criteria: Invitae Variant Classification Sherloc (09022015). Collection method: clinical testing. Allele origin: germline.
Comment: In summary, the currently available evidence indicates that the variant is pathogenic, but additional data are needed to prove that conclusively. Therefore, this variant has been classified as Likely Pathogenic. This variant is located in the A band of TTN (PMID: 25589632). Truncating variants in this region are significantly overrepresented in patients affected with dilated cardiomyopathy (PMID: 25589632). Truncating variants in this region have also been reported in individuals affected with autosomal recessive centronuclear myopathy (PMID: 23975875). This variant has not been reported in the literature in individuals with TTN-related conditions. This variant is not present in population databases (ExAC no frequency). This sequence change results in a premature translational stop signal in the TTN gene (p.Gln32313*). While this is not anticipated to result in nonsense mediated decay, it is expected to create a truncated TTN protein.

Literature cited by the submitters: PubMed 25589632; PubMed 23975875.